The following is an entry in ClinVar:

NM_206996.4(SPAG17):c.4922G>C (p.Arg1641Thr)

Gene: SPAG17 (sperm associated antigen 17; minus strand). Cytogenetic location: 1p12.
Variant type: single nucleotide variant.
Coding change: c.4922G>C on transcript NM_206996.4 (MANE Select); coding-DNA position 4922, G replaced by C.
Protein change: p.Arg1641Thr; replaces arginine 1641 with threonine.
Molecular consequence: missense variant.
Genome position (GRCh38, 1-based): chr1:117,996,598, C>G on the plus strand (G>C on the coding strand, the complement: SPAG17 is on the minus strand). VCF-style: chr1-117996598-C-G. GRCh37 (hg19) VCF-style: chr1-118539221-C-G.
Other names: short protein forms R1641T.
Identifiers: ClinVar variation 5018760 (VCV005018760.1).

ClinVar aggregate classification (germline): Uncertain significance (1 of 4 stars; one submission).

Conditions:
Spermatogenic failure 55. Identifiers: MedGen C5543580, MONDO:0030307, OMIM 619380.

Submission:

Juno Genomics, Hangzhou Juno Genomics, Inc
Classification: Uncertain significance for Spermatogenic failure 55. Review status: criteria provided, single submitter. Criteria: ACMG Guidelines, 2015. Collection method: clinical testing. Allele origin: germline. Affected: yes.
Comment: Absent from controls (or at extremely low frequency if recessive) in Genome Aggregation Database.;Multiple lines of computational evidence support a deleterious effect on the gene or gene product.;For recessive disorders, detected in trans with a pathogenic variant.;Patient's phenotype or family history is highly specific for a disease with a single genetic etiology.